The following is an entry in ClinVar:

NM_000142.5(FGFR3):c.1133G>T (p.Ser378Ile)

Gene: FGFR3 (fibroblast growth factor receptor 3; plus strand). Cytogenetic location: 4p16.3.
Variant type: single nucleotide variant.
Coding change: c.1133G>T on transcript NM_000142.5 (MANE Select); coding-DNA position 1133, G replaced by T.
Protein change: p.Ser378Ile; replaces serine 378 with isoleucine.
Molecular consequence: missense variant. On other transcripts: non-coding transcript variant (1), intron variant (1).
Genome position (GRCh38, 1-based): chr4:1,804,387, G>T. VCF-style: chr4-1804387-G-T. GRCh37 (hg19) VCF-style: chr4-1806114-G-T.
Other names: c.1139G>T, p.Ser380Ile (NM_001163213.2); c.1133G>T, p.Ser378Ile (NM_001354809.2, NM_001354810.2); c.931-437G>T (NM_022965.4); short protein forms S378I, S380I.
Identifiers: ClinVar variation 3369238 (VCV003369238.2).
Genomic context (GRCh38, chr4:1,804,387, plus strand): 5'-CAGCCGAGGAGGAGCTGGTGGAGGCTGACGAGGCGGGCAGTGTGTATGCAGGCATCCTCA[G>T]CTACGGGGTGGGCTTCTTCCTGTTCATCCTGGTGGTGGCGGCTGTGACGCTCTGCCGCCT-3'
Protein context (NP_000133.1, residues 368-388): EAGSVYAGIL[Ser378Ile]YGVGFFLFIL

ClinVar aggregate classification (germline): Uncertain significance. Review status: criteria provided, multiple submitters, no conflicts (2 of 4 stars). 2 submissions from 2 submitters: Uncertain significance (2). Last evaluated 2026-06-23.

Conditions:
FGFR3-related chondrodysplasia. Identifiers: Orphanet 93420, MedGen C5681604, MONDO:0019685.

Submissions (2):

Genomenon, Inc
Classification: Uncertain significance for FGFR3-related chondrodysplasia. Last evaluated: 2026-06-23. Review status: criteria provided, single submitter. Criteria: Genomenon Sequence Variant Interpretation Standards - Updated. Collection method: curation. Allele origin: germline. Affected: no.
Comment: FGFR3 p.Ser378Ile (c.1133G>T) is a missense variant that changes the amino acid at codon 378 from Serine to Isoleucine. This variant has been reported in the published literature (PMID:26725515;23727984;31975530). This variant is located in a mutational hotspot and/or important functional domain. It is absent or not present at a significant frequency in gnomAD. In conclusion, we classify FGFR3 p.Ser378Ile (c.1133G>T) as a variant of uncertain significance.

GeneDx
Classification: Uncertain significance. Last evaluated: 2024-02-16. Review status: criteria provided, single submitter. Criteria: GeneDx Variant Classification Process June 2021. Collection method: clinical testing. Allele origin: germline. Affected: yes.
Comment: Not observed at significant frequency in large population cohorts (gnomAD); In silico analysis supports that this missense variant does not alter protein structure/function; Has not been previously published in patients with FGFR3-related disorders to our knowledge; This variant is associated with the following publications: (PMID: 26725515, 30289575, 23727984)

Literature cited by the submitters: PubMed 26725515 (cited by Genomenon, Inc); PubMed 23727984 (cited by Genomenon, Inc); PubMed 31975530 (cited by Genomenon, Inc).